The following is an entry in ClinVar:

NM_017763.6(RNF43):c.744C>T (p.Tyr248=)

Gene: RNF43 (ring finger protein 43; minus strand). Cytogenetic location: 17q22.
Variant type: single nucleotide variant.
Coding change: c.744C>T on transcript NM_017763.6 (MANE Select); coding-DNA position 744, C replaced by T.
Protein change: p.Tyr248=; no amino-acid change (tyrosine 248 retained).
Molecular consequence: synonymous variant.
Genome position (GRCh38, 1-based): chr17:58,360,888, G>A on the plus strand (C>T on the coding strand, the complement: RNF43 is on the minus strand). VCF-style: chr17-58360888-G-A. GRCh37 (hg19) VCF-style: chr17-56438249-G-A.
Other names: c.744C>T, p.Tyr248= (NM_001305544.3, NM_001438820.1, NM_001438821.1 and 1 more transcripts); c.363C>T, p.Tyr121= (NM_001305545.2, NM_001437987.1).
Identifiers: ClinVar variation 4875746 (VCV004875746.1).

ClinVar aggregate classification (germline): Benign (1 of 4 stars; one submission).

Conditions:
Sessile serrated polyposis cancer syndrome (SSPCS). Identifiers: Orphanet 157798, MedGen C4310714, MONDO:0014919, OMIM 617108.

gnomAD v4.1: 1 of 1,610,874 alleles (0.000062%); highest among the groups gnomAD compares: Non-Finnish European, 0.000085%; no homozygotes.

Submission:

Myriad Genetics, Inc.
Classification: Benign for Sessile serrated polyposis cancer syndrome. Last evaluated: 2026-06-30. Review status: criteria provided, single submitter. Criteria: Myriad Autosomal Dominant, Autosomal Recessive and X-Linked Classification Criteria (2023). Collection method: clinical testing. Allele origin: unknown.
Comment: This variant is considered benign. This variant is a silent/synonymous amino acid change and it is not expected to impact splicing.